The following is an entry in ClinVar:

ClinVar aggregate classification (germline): Uncertain significance (1 of 4 stars; one submission).

Conditions:
Hereditary cancer-predisposing syndrome. Also called: Hereditary Cancer Syndrome; Hereditary neoplastic syndrome; Neoplastic Syndromes, Hereditary; Tumor predisposition. Identifiers: Orphanet 140162, MedGen C0027672, MeSH D009386, MONDO:0015356.

Submission:

Ambry Genetics
Classification: Uncertain significance for Hereditary cancer-predisposing syndrome. Last evaluated: 2025-07-31. Review status: criteria provided, single submitter. Criteria: Ambry Variant Classification Scheme 2023. Collection method: clinical testing. Allele origin: germline.
Comment: The p.T1457K variant (also known as c.4370C>A), located in coding exon 29 of the ALK gene, results from a C to A substitution at nucleotide position 4370. The threonine at codon 1457 is replaced by lysine, an amino acid with similar properties. This amino acid position is conserved. In addition, this alteration is predicted to be tolerated by in silico analysis. Based on the available evidence, the clinical significance of this variant remains unclear.

NM_004304.5(ALK):c.4370C>A (p.Thr1457Lys)

Gene: ALK (ALK receptor tyrosine kinase; minus strand). Cytogenetic location: 2p23.2.
Variant type: single nucleotide variant.
Coding change: c.4370C>A on transcript NM_004304.5 (MANE Select); coding-DNA position 4370, C replaced by A.
Protein change: p.Thr1457Lys; replaces threonine 1457 with lysine.
Molecular consequence: missense variant.
Genome position (GRCh38, 1-based): chr2:29,193,717, G>T on the plus strand (C>A on the coding strand, the complement: ALK is on the minus strand). VCF-style: chr2-29193717-G-T. GRCh37 (hg19) VCF-style: chr2-29416583-G-T.
Other names: c.1166C>A, p.Thr389Lys (NM_001353765.2); short protein forms T389K, T1457K.
Identifiers: ClinVar variation 4272705 (VCV004272705.1).